The following is an entry in ClinVar:

NM_002691.4(POLD1):c.1174G>A (p.Val392Met)

Gene: POLD1 (DNA polymerase delta 1, catalytic subunit; plus strand). Cytogenetic location: 19q13.33.
Variant type: single nucleotide variant.
Coding change: c.1174G>A on transcript NM_002691.4 (MANE Select); coding-DNA position 1174, G replaced by A.
Protein change: p.Val392Met; replaces valine 392 with methionine.
Molecular consequence: missense variant. On other transcripts: non-coding transcript variant (1).
Genome position (GRCh38, 1-based): chr19:50,403,529, G>A. VCF-style: chr19-50403529-G-A. GRCh37 (hg19) VCF-style: chr19-50906786-G-A.
Other names: c.1174G>A, p.Val392Met (NM_001256849.1, NM_001308632.1); short protein forms V392M.
Identifiers: ClinVar variation 408053 (VCV000408053.27), dbSNP rs778843530, ClinGen allele CA9596058.
Genomic context (GRCh38, chr19:50,403,529, plus strand): 5'-GACCCAATGTGCTCCCACCCCCAGGCCTGGTCCACCTTCATCCGTATCATGGACCCCGAC[G>A]TGATCACCGGTTACAACATCCAGAACTTCGACCTTCCGTACCTCATCTCTCGGGCCCAGA-3'
Protein context (NP_002682.2, residues 382-402): STFIRIMDPD[Val392Met]ITGYNIQNFD

ClinVar aggregate classification (germline): Conflicting classifications of pathogenicity. Review status: criteria provided, conflicting classifications (1 of 4 stars). 6 submissions from 6 submitters: Uncertain significance (5); Likely benign (1). Last evaluated 2026-02-02.

Conditions:
Hereditary cancer-predisposing syndrome. Also called: Neoplastic Syndromes, Hereditary; Hereditary neoplastic syndrome; Hereditary Cancer Syndrome; Tumor predisposition. Identifiers: Orphanet 140162, MedGen C0027672, MeSH D009386, MONDO:0015356.
POLD1-related polyposis and colorectal cancer syndrome (CRCS10). Also called: Colorectal cancer, susceptibility to, 10; Colorectal cancer 10; COLORECTAL CANCER, SUSCEPTIBILITY TO, ON CHROMOSOME 19q. Identifiers: Orphanet 220460, MedGen C2675481, MONDO:0012953, OMIM 612591.
Mandibular hypoplasia-deafness-progeroid syndrome. Also called: Mandibular hypoplasia, deafness, progeroid features, and lipodystrophy syndrome. Identifiers: Orphanet 363649, MedGen C3715192, MONDO:0014157, OMIM 615381.

Allele frequency attached by ClinVar (database versions not stated): ExAC 0.00001; gnomAD exomes 0.00002; TOPMed 0.00003.

Submissions (6):

Labcorp Genetics (formerly Invitae), Labcorp
Classification: Uncertain significance for POLD1-related polyposis and colorectal cancer syndrome. Last evaluated: 2026-02-02. Review status: criteria provided, single submitter. Criteria: Invitae Variant Classification Sherloc (09022015). Collection method: clinical testing. Allele origin: germline.
Comment: This sequence change replaces valine, which is neutral and non-polar, with methionine, which is neutral and non-polar, at codon 392 of the POLD1 protein (p.Val392Met). This variant is present in population databases (rs778843530, gnomAD 0.004%). This variant has not been reported in the literature in individuals affected with POLD1-related conditions. ClinVar contains an entry for this variant (Variation ID: 408053). Invitae Evidence Modeling of protein sequence and biophysical properties (such as structural, functional, and spatial information, amino acid conservation, physicochemical variation, residue mobility, and thermodynamic stability) indicates that this missense variant is not expected to disrupt POLD1 protein function with a negative predictive value of 80%. In summary, the available evidence is currently insufficient to determine the role of this variant in disease. Therefore, it has been classified as a Variant of Uncertain Significance.

GeneDx
Classification: Uncertain significance. Last evaluated: 2025-06-17. Review status: criteria provided, single submitter. Criteria: GeneDx Variant Classification Process June 2021. Collection method: clinical testing. Allele origin: germline. Affected: yes.
Comment: Not observed at significant frequency in large population cohorts (gnomAD); In silico analysis suggests that this missense variant does not alter protein structure/function; Observed in a cohort of individuals with hypertriglyceridemia and familial hypercholesterolemia (PMID: 32041611); This variant is associated with the following publications: (PMID: 23528559, 29717118, 20951805, 32041611)

Ambry Genetics
Classification: Likely benign for Hereditary cancer-predisposing syndrome. Last evaluated: 2024-08-13. Review status: criteria provided, single submitter. Criteria: Ambry Variant Classification Scheme 2023. Collection method: clinical testing. Allele origin: germline.

Quest Diagnostics Nichols Institute San Juan Capistrano
Classification: Uncertain significance. Last evaluated: 2024-05-01. Review status: criteria provided, single submitter. Criteria: Quest Diagnostics criteria. Collection method: clinical testing. Allele origin: unknown.
Comment: The POLD1 c.1174G>A (p.Val392Met) variant has been reported in individuals with endometrial cancer as a somatic variant (PMID: 23528559 (2013), 29717118 (2018)). It has also been reported in a cohort of individuals with dyslipidemia and metabolic disorders (PMID: 32041611 (2020)). The frequency of this variant in the general population, 0.000035 (4/113762 chromosomes), is uninformative in assessment of its pathogenicity. Analysis of this variant using bioinformatics tools for the prediction of the effect of amino acid changes on protein structure and function yielded conflicting predictions that this variant is benign or damaging. Based on the available information, we are unable to determine the clinical significance of this variant.

Baylor Genetics
Classification: Uncertain significance for POLD1-related polyposis and colorectal cancer syndrome. Last evaluated: 2024-03-14. Review status: criteria provided, single submitter. Criteria: ACMG Guidelines, 2015. Collection method: clinical testing. Allele origin: unknown.

Genetic Services Laboratory, University of Chicago
Classification: Uncertain significance. Last evaluated: 2021-09-23. Review status: criteria provided, single submitter. Criteria: ACMG Guidelines, 2015. Collection method: clinical testing. Allele origin: germline. Affected: no.

Literature cited by the submitters: PubMed 29717118 (cited by Ambry Genetics and Quest Diagnostics Nichols Institute San Juan Capistrano); PubMed 23528559 (cited by Quest Diagnostics Nichols Institute San Juan Capistrano); PubMed 32041611 (cited by Quest Diagnostics Nichols Institute San Juan Capistrano).